The following is an entry in ClinVar:

NM_001035.3(RYR2):c.8394G>A (p.Met2798Ile)

Gene: RYR2 (ryanodine receptor 2; plus strand). Cytogenetic location: 1q43.
Variant type: single nucleotide variant.
Coding change: c.8394G>A on transcript NM_001035.3 (MANE Select); coding-DNA position 8394, G replaced by A.
Protein change: p.Met2798Ile; replaces methionine 2798 with isoleucine.
Molecular consequence: missense variant.
Genome position (GRCh38, 1-based): chr1:237,660,905, G>A. VCF-style: chr1-237660905-G-A. GRCh37 (hg19) VCF-style: chr1-237824205-G-A.
Other names: short protein forms M2798I.
Identifiers: ClinVar variation 3070337 (VCV003070337.1), dbSNP rs1573392064, ClinGen allele CA345401938.

ClinVar aggregate classification (germline): Uncertain significance (1 of 4 stars; one submission).

Conditions:
Catecholaminergic polymorphic ventricular tachycardia (CVPT). Also called: Catecholamine-induced polymorphic ventricular tachycardia. Identifiers: Orphanet 3286, MedGen C5574922, MONDO:0017990.

Submission:

All of Us Research Program, National Institutes of Health
Classification: Uncertain significance for Catecholaminergic polymorphic ventricular tachycardia. Last evaluated: 2023-04-27. Review status: criteria provided, single submitter. Criteria: ACMG Guidelines, 2015. Collection method: clinical testing. Allele origin: germline. Inheritance: Autosomal dominant inheritance. Observed: 2 variant alleles, 2 heterozygotes.
Comment: This study involves interpretation of variants in research participants for the purpose of population health screening. Participant phenotype was not available at the time of variant classification. Additional details can be found in publication PMID: 35346344, PMCID: PMC8962531